The following is an entry in ClinVar:

ClinVar aggregate classification (germline): Uncertain significance (1 of 4 stars; one submission).

gnomAD v4.1: 1 of 1,587,374 alleles (0.000063%); highest among the groups gnomAD compares: South Asian, 0.0011%; no homozygotes.

Submission:

Labcorp Genetics (formerly Invitae), Labcorp
Classification: Uncertain significance. Last evaluated: 2022-09-07. Review status: criteria provided, single submitter. Criteria: Invitae Variant Classification Sherloc (09022015). Collection method: clinical testing. Allele origin: germline.
Comment: Algorithms developed to predict the effect of missense changes on protein structure and function are either unavailable or do not agree on the potential impact of this missense change (SIFT: "Deleterious"; PolyPhen-2: "Benign"; Align-GVGD: "Class C0"). This variant has not been reported in the literature in individuals affected with SOX11-related conditions. This variant is not present in population databases (gnomAD no frequency). This sequence change replaces proline, which is neutral and non-polar, with leucine, which is neutral and non-polar, at codon 251 of the SOX11 protein (p.Pro251Leu). In summary, the available evidence is currently insufficient to determine the role of this variant in disease. Therefore, it has been classified as a Variant of Uncertain Significance.

NM_003108.4(SOX11):c.752C>T (p.Pro251Leu)

Gene: SOX11 (SRY-box transcription factor 11; plus strand). Cytogenetic location: 2p25.2.
Variant type: single nucleotide variant.
Coding change: c.752C>T on transcript NM_003108.4 (MANE Select); coding-DNA position 752, C replaced by T.
Protein change: p.Pro251Leu; replaces proline 251 with leucine.
Molecular consequence: missense variant.
Genome position (GRCh38, 1-based): chr2:5,693,473, C>T. VCF-style: chr2-5693473-C-T. GRCh37 (hg19) VCF-style: chr2-5833605-C-T.
Other names: short protein forms P251L.
Identifiers: ClinVar variation 2125096 (VCV002125096.4), dbSNP rs1313818654, ClinGen allele CA345867380.